The following is an entry in ClinVar:

ClinVar aggregate classification (germline): Uncertain significance (1 of 4 stars; one submission).

Submission:

Dasa
Classification: Uncertain significance. Last evaluated: 2026-04-24. Review status: criteria provided, single submitter. Criteria: DASA Assertion Criteria. Collection method: clinical testing. Allele origin: germline.
Comment: NM_005120.3(MED12):c.6330_6332del (p.Gln2115del) is an in-frame deletion predicted to remove glutamine at protein position 2115 without shifting the reading frame. This variant is rare in population databases. The currently available literature and clinical evidence are not sufficient to establish a definitive association between this variant and the reported condition. Therefore, this variant is classified as a variant of uncertain significance.

NM_005120.3(MED12):c.6330_6332del (p.Gln2115del)

Gene: MED12 (mediator complex subunit 12; plus strand). Cytogenetic location: Xq13.1.
Variant type: Deletion.
Coding change: c.6330_6332del on transcript NM_005120.3 (MANE Select); coding-DNA positions 6330 to 6332, 3 bases deleted (ACA; older notation c.6330_6332delACA).
Protein change: p.Gln2115del; deletes glutamine 2115.
Molecular consequence: inframe deletion.
Genome position (GRCh38, 1-based): chrX:71,141,292-71,141,294, ACA deleted; deleting any 3 consecutive bases within chrX:71,141,290-71,141,294 gives the same sequence; the c. name uses the placement nearest the transcript's 3' end. VCF-style (leftmost placement, unchanged base first): chrX-71141289-GCAA-G. GRCh37 (hg19) VCF-style: chrX-70361139-GCAA-G.
Other names: short protein forms Q2115del.
Identifiers: ClinVar variation 4886324 (VCV004886324.2).